The following is an entry in ClinVar:

ClinVar aggregate classification (germline): Uncertain significance (1 of 4 stars; one submission).

Conditions:
DIAPH3-related disorder. Also called: DIAPH3-related condition.

gnomAD v4.1: 5 of 1,613,356 alleles (0.00031%); highest among the groups gnomAD compares: Non-Finnish European, 0.00025%; no homozygotes.

Submission:

PreventionGenetics, part of Exact Sciences
Classification: Uncertain significance for DIAPH3-related condition. Last evaluated: 2026-01-29. Review status: criteria provided, single submitter. Criteria: ACMG Guidelines, 2015. Collection method: clinical testing. Allele origin: germline.
Comment: The DIAPH3 c.515G>A variant is predicted to result in the amino acid substitution p.Arg172Gln. To our knowledge, this variant has not been reported in the literature or in a large population database (gnomAD), indicating this variant is rare. At this time, the clinical significance of this variant is uncertain due to the absence of conclusive functional and genetic evidence.

NM_001042517.2(DIAPH3):c.515G>A (p.Arg172Gln)

Genes: DIAPH3 (diaphanous related formin 3; minus strand), DIAPH3-AS1 (DIAPH3 antisense RNA 1; plus strand). Cytogenetic location: 13q21.2.
Variant type: single nucleotide variant.
Coding change: c.515G>A on transcript NM_001042517.2 (MANE Select); coding-DNA position 515, G replaced by A.
Protein change: p.Arg172Gln; replaces arginine 172 with glutamine.
Molecular consequence: missense variant.
Genome position (GRCh38, 1-based): chr13:60,042,801, C>T on the plus strand (G>A on the coding strand, the complement: DIAPH3 is on the minus strand). VCF-style: chr13-60042801-C-T. GRCh37 (hg19) VCF-style: chr13-60616935-C-T.
Other names: c.482G>A, p.Arg161Gln (NM_001258366.2); c.377G>A, p.Arg126Gln (NM_001258367.2); c.305G>A, p.Arg102Gln (NM_001258368.2); c.515G>A, p.Arg172Gln (NM_001258369.2); short protein forms R102Q, R126Q, R161Q, R172Q.
Identifiers: ClinVar variation 4987319 (VCV004987319.1).